The following is an entry in ClinVar:

NM_000089.4(COL1A2):c.87T>C (p.Thr29=)

Gene: COL1A2 (collagen type I alpha 2 chain; plus strand). Cytogenetic location: 7q21.3.
Variant type: single nucleotide variant.
Coding change: c.87T>C on transcript NM_000089.4 (MANE Select); coding-DNA position 87, T replaced by C.
Protein change: p.Thr29=; no amino-acid change (threonine 29 retained).
Molecular consequence: synonymous variant.
Genome position (GRCh38, 1-based): chr7:94,398,387, T>C. VCF-style: chr7-94398387-T-C. GRCh37 (hg19) VCF-style: chr7-94027699-T-C.
Other names: p.Thr29=.
Identifiers: ClinVar variation 196205 (VCV000196205.23), dbSNP rs1801182, ClinGen allele CA202193.

ClinVar aggregate classification (germline): Benign. Review status: criteria provided, multiple submitters, no conflicts (2 of 4 stars). 10 submissions from 9 submitters: Benign (10). Last evaluated 2026-02-03.

Conditions:
Ehlers-Danlos syndrome, arthrochalasia type, 2. Also called: EHLERS-DANLOS SYNDROME, TYPE VIIB, AUTOSOMAL DOMINANT. Identifiers: MedGen CN293783, MONDO:0040501, OMIM 617821.
Cardiovascular phenotype. Identifiers: MedGen CN230736.
Osteogenesis imperfecta type I (OI1). Also called: Lobstein disease; Osteogenesis imperfecta type 1; Lobstein's Disease; OI, TYPE I; OSTEOGENESIS IMPERFECTA TARDA; OSTEOGENESIS IMPERFECTA WITH BLUE SCLERAE. Identifiers: Orphanet 216796, Orphanet 666, MedGen C0023931, MONDO:0008146, OMIM 166200. Disease mechanism: loss of function.
Ehlers-Danlos syndrome, classic type, 1 (EDSCL1). Also called: Ehlers-Danlos syndrome, type 1; EHLERS-DANLOS SYNDROME, GRAVIS TYPE; EHLERS-DANLOS SYNDROME, SEVERE CLASSIC TYPE; EDS I; Ehlers-Danlos Syndrome, Classic Type, COL5A1-Related. Identifiers: MedGen C0268335, MONDO:0019567, OMIM 130000.
Osteogenesis imperfecta (OI). Identifiers: Orphanet 666, MedGen C0029434, MeSH D010013, MONDO:0019019.

Allele frequency attached by ClinVar (database versions not stated): gnomAD exomes 0.02345 and 0.05902; ESP Exome Variant Server 0.09763; gnomAD 0.12242 and 0.12315; ExAC 0.13288; TOPMed 0.13577; 1000 Genomes Project 30x 0.20300; 1000 Genomes Project 0.20507.
gnomAD v4.1: 37,434 of 941,242 alleles (4%); highest among the groups gnomAD compares: African/African-American, 31%; 4,186 homozygotes.

Submissions (10):

Labcorp Genetics (formerly Invitae), Labcorp
Classification: Benign for Osteogenesis imperfecta type I; Ehlers-Danlos syndrome, classic type, 1. Last evaluated: 2026-02-03. Review status: criteria provided, single submitter. Criteria: Invitae Variant Classification Sherloc (09022015). Collection method: clinical testing. Allele origin: germline.

Blueprint Genetics
Classification: Benign. Last evaluated: 2024-11-27. Review status: criteria provided, single submitter. Criteria: ACMG Guidelines, 2015. Collection method: clinical testing. Allele origin: germline.

Mayo Clinic Laboratories, Mayo Clinic
Classification: Benign. Last evaluated: 2019-03-13. Review status: criteria provided, single submitter. Criteria: ACMG Guidelines, 2015. Collection method: clinical testing. Allele origin: germline. Observed: 198 variant alleles.

Ambry Genetics
Classification: Benign for Cardiovascular phenotype. Last evaluated: 2019-01-04. Review status: criteria provided, single submitter. Criteria: Ambry Variant Classification Scheme 2023. Collection method: clinical testing. Allele origin: germline.

Illumina Laboratory Services, Illumina
Classification: Benign for Ehlers-Danlos syndrome, arthrochalasia type, 2. Last evaluated: 2018-01-13. Review status: criteria provided, single submitter. Criteria: ICSL Variant Classification Criteria 13 December 2019. Collection method: clinical testing. Allele origin: germline.
Comment: This variant was observed in the ICSL laboratory as part of a predisposition screen in an ostensibly healthy population. It had not been previously curated by ICSL or reported in the Human Gene Mutation Database (HGMD: prior to June 1st, 2018), and was therefore a candidate for classification through an automated scoring system. Utilizing variant allele frequency, disease prevalence and penetrance estimates, and inheritance mode, an automated score was calculated to assess if this variant is too frequent to cause the disease. Based on the score and internal cut-off values, a variant classified as benign is not then subjected to further curation. The score for this variant resulted in a classification of benign for this disease.

Illumina Laboratory Services, Illumina
Classification: Benign for Osteogenesis imperfecta. Last evaluated: 2018-01-13. Review status: criteria provided, single submitter. Criteria: ICSL Variant Classification Criteria 13 December 2019. Collection method: clinical testing. Allele origin: germline.
Comment: the same text as in the submission from Illumina Laboratory Services, Illumina above.

GeneDx
Classification: Benign. Last evaluated: 2016-06-01. Review status: criteria provided, single submitter. Criteria: GeneDx Variant Classification (06012015). Collection method: clinical testing. Allele origin: germline. Affected: yes.
Comment: This variant is considered likely benign or benign based on one or more of the following criteria: it is a conservative change, it occurs at a poorly conserved position in the protein, it is predicted to be benign by multiple in silico algorithms, and/or has population frequency not consistent with disease.

Eurofins Ntd Llc (ga)
Classification: Benign. Last evaluated: 2015-11-17. Review status: criteria provided, single submitter. Criteria: EGL Classification Definitions 2015. Collection method: clinical testing. Allele origin: germline. Observed: 5 variant alleles, 4 heterozygotes, 1 homozygote.

Athena Diagnostics
Classification: Benign. Last evaluated: 2012-09-27. Review status: criteria provided, single submitter. Criteria: Athena Diagnostics Criteria. Collection method: clinical testing. Allele origin: germline.

Breakthrough Genomics
Classification: Benign. Review status: criteria provided, single submitter. Criteria: ACMG Guidelines, 2015. Collection method: not provided. Allele origin: germline. Inheritance: Autosomal recessive inheritance. Affected: yes.